The following is an entry in ClinVar:

ClinVar aggregate classification (germline): Pathogenic (1 of 4 stars; one submission).

Conditions:
Zellweger spectrum disorders (ZS). Also called: Zellweger syndrome; Zellweger Spectrum Disorder; Zellweger Spectrum; Zellweger Spectrum Disorder (ZSD). Identifiers: Orphanet 912, MedGen C0043459, MONDO:0019609.

Submission:

Labcorp Genetics (formerly Invitae), Labcorp
Classification: Pathogenic for Zellweger spectrum disorders. Last evaluated: 2023-09-25. Review status: criteria provided, single submitter. Criteria: Invitae Variant Classification Sherloc (09022015). Collection method: clinical testing. Allele origin: germline.
Comment: For these reasons, this variant has been classified as Pathogenic. This variant has not been reported in the literature in individuals affected with PEX1-related conditions. This variant is not present in population databases (gnomAD no frequency). This sequence change creates a premature translational stop signal (p.Ser1209Alafs*9) in the PEX1 gene. It is expected to result in an absent or disrupted protein product. Loss-of-function variants in PEX1 are known to be pathogenic (PMID: 21031596, 26387595, 31831025).

Literature cited by the submitters: PubMed 21031596; PubMed 26387595; PubMed 31831025.

NM_000466.3(PEX1):c.3624del (p.Ser1209fs)

Genes: PEX1 (peroxisomal biogenesis factor 1; minus strand), GATAD1 (GATA zinc finger domain containing 1; plus strand). Cytogenetic location: 7q21.2.
Variant type: Deletion.
Coding change: c.3624del on transcript NM_000466.3 (MANE Select); coding-DNA position 3624, one base deleted (G; older notation c.3624delG).
Protein change: p.Ser1209fs; shifts the reading frame from serine 1209.
Molecular consequence: frameshift variant.
Genome position (GRCh38, 1-based): chr7:92,489,726, C deleted on the plus strand (G on the coding strand, the reverse complement: PEX1 is on the minus strand); the first of 2 consecutive C bases (chr7:92,489,726-92,489,727); deleting either gives the same sequence. VCF-style (leftmost placement, unchanged base first): chr7-92489725-TC-T. GRCh37 (hg19) VCF-style: chr7-92119039-TC-T.
Other names: c.3453del, p.Ser1152fs (NM_001282677.2); c.3000del, p.Ser1001fs (NM_001282678.2); short protein forms S1209fs, S1001fs, S1152fs.
Identifiers: ClinVar variation 2763230 (VCV002763230.3), dbSNP rs2484612471, ClinGen allele CA2697557381.